The following is an entry in ClinVar:

ClinVar aggregate classification (germline): Uncertain significance (1 of 4 stars; one submission).

Submission:

Labcorp Genetics (formerly Invitae), Labcorp
Classification: Uncertain significance. Last evaluated: 2024-02-23. Review status: criteria provided, single submitter. Criteria: Invitae Variant Classification Sherloc (09022015). Collection method: clinical testing. Allele origin: germline.
Comment: This sequence change replaces threonine, which is neutral and polar, with isoleucine, which is neutral and non-polar, at codon 506 of the SLC1A4 protein (p.Thr506Ile). This variant is not present in population databases (gnomAD no frequency). This variant has not been reported in the literature in individuals affected with SLC1A4-related conditions. ClinVar contains an entry for this variant (Variation ID: 1928446). An algorithm developed to predict the effect of missense changes on protein structure and function (PolyPhen-2) suggests that this variant is likely to be disruptive. In summary, the available evidence is currently insufficient to determine the role of this variant in disease. Therefore, it has been classified as a Variant of Uncertain Significance.

NM_003038.5(SLC1A4):c.1517C>T (p.Thr506Ile)

Gene: SLC1A4 (solute carrier family 1 member 4; plus strand). Cytogenetic location: 2p14.
Variant type: single nucleotide variant.
Coding change: c.1517C>T on transcript NM_003038.5 (MANE Select); coding-DNA position 1517, C replaced by T.
Protein change: p.Thr506Ile; replaces threonine 506 with isoleucine.
Molecular consequence: missense variant.
Genome position (GRCh38, 1-based): chr2:65,021,064, C>T. VCF-style: chr2-65021064-C-T. GRCh37 (hg19) VCF-style: chr2-65248198-C-T.
Other names: c.623C>T, p.Thr208Ile (NM_001193493.2); c.857C>T, p.Thr286Ile (NM_001348406.2, NM_001348407.2); short protein forms T208I, T286I, T506I.
Identifiers: ClinVar variation 1928446 (VCV001928446.5), dbSNP rs1674399741, ClinGen allele CA347012652.